The following is an entry in ClinVar:

NM_001170629.2(CHD8):c.845G>A (p.Gly282Asp)

Gene: CHD8 (chromodomain helicase DNA binding protein 8; minus strand). Cytogenetic location: 14q11.2.
Variant type: single nucleotide variant.
Coding change: c.845G>A on transcript NM_001170629.2 (MANE Select); coding-DNA position 845, G replaced by A.
Protein change: p.Gly282Asp; replaces glycine 282 with aspartic acid.
Molecular consequence: missense variant.
Genome position (GRCh38, 1-based): chr14:21,429,334, C>T on the plus strand (G>A on the coding strand, the complement: CHD8 is on the minus strand). VCF-style: chr14-21429334-C-T. GRCh37 (hg19) VCF-style: chr14-21897493-C-T.
Other names: c.8G>A, p.Gly3Asp (NM_020920.4); short protein forms G282D, G3D.
Identifiers: ClinVar variation 4278734 (VCV004278734.1).

ClinVar aggregate classification (germline): Uncertain significance (1 of 4 stars; one submission).

Submission:

GeneDx
Classification: Uncertain significance. Last evaluated: 2025-04-04. Review status: criteria provided, single submitter. Criteria: GeneDx Variant Classification Process June 2021. Collection method: clinical testing. Allele origin: germline. Affected: yes.
Comment: Not observed at significant frequency in large population cohorts (gnomAD); In silico analysis supports that this missense variant has a deleterious effect on protein structure/function; Has not been previously published as pathogenic or benign to our knowledge